The following is an entry in ClinVar:

ClinVar aggregate classification (germline): Uncertain significance (1 of 4 stars; one submission).

gnomAD v4.1: 1 of 1,613,116 alleles (0.000062%); highest among the groups gnomAD compares: Non-Finnish European, 0.000085%; no homozygotes.

Submission:

Labcorp Genetics (formerly Invitae), Labcorp
Classification: Uncertain significance. Last evaluated: 2024-04-17. Review status: criteria provided, single submitter. Criteria: Invitae Variant Classification Sherloc (09022015). Collection method: clinical testing. Allele origin: germline.
Comment: This sequence change replaces isoleucine, which is neutral and non-polar, with threonine, which is neutral and polar, at codon 331 of the MBTPS1 protein (p.Ile331Thr). This variant is not present in population databases (gnomAD no frequency). This variant has not been reported in the literature in individuals affected with MBTPS1-related conditions. ClinVar contains an entry for this variant (Variation ID: 2034483). An algorithm developed to predict the effect of missense changes on protein structure and function (PolyPhen-2) suggests that this variant is likely to be disruptive. In summary, the available evidence is currently insufficient to determine the role of this variant in disease. Therefore, it has been classified as a Variant of Uncertain Significance.

NM_003791.4(MBTPS1):c.992T>C (p.Ile331Thr)

Gene: MBTPS1 (membrane bound transcription factor peptidase, site 1; minus strand). Cytogenetic location: 16q23.3.
Variant type: single nucleotide variant.
Coding change: c.992T>C on transcript NM_003791.4 (MANE Select); coding-DNA position 992, T replaced by C.
Protein change: p.Ile331Thr; replaces isoleucine 331 with threonine.
Molecular consequence: missense variant.
Genome position (GRCh38, 1-based): chr16:84,090,914, A>G on the plus strand (T>C on the coding strand, the complement: MBTPS1 is on the minus strand). VCF-style: chr16-84090914-A-G. GRCh37 (hg19) VCF-style: chr16-84124519-A-G.
Other names: short protein forms I331T.
Identifiers: ClinVar variation 2034483 (VCV002034483.4), dbSNP rs2507817217, ClinGen allele CA396936161.